The following is an entry in ClinVar:

ClinVar aggregate classification (germline): Uncertain significance (1 of 4 stars; one submission).

Conditions:
Hereditary cancer-predisposing syndrome. Also called: Neoplastic Syndromes, Hereditary; Tumor predisposition; Hereditary neoplastic syndrome; Hereditary Cancer Syndrome. Identifiers: Orphanet 140162, MedGen C0027672, MeSH D009386, MONDO:0015356.

Allele frequency attached by ClinVar (database versions not stated): gnomAD 0.00001; TOPMed 0.00001.
gnomAD v4.1: 2 of 1,613,792 alleles (0.00012%); highest among the groups gnomAD compares: Non-Finnish European, 0.00017%; no homozygotes.

Submission:

Ambry Genetics
Classification: Uncertain significance for Hereditary cancer-predisposing syndrome. Last evaluated: 2024-11-20. Review status: criteria provided, single submitter. Criteria: Ambry Variant Classification Scheme 2023. Collection method: clinical testing. Allele origin: germline.
Comment: The p.P1031T variant (also known as c.3091C>A), located in coding exon 14 of the MET gene, results from a C to A substitution at nucleotide position 3091. The proline at codon 1031 is replaced by threonine, an amino acid with highly similar properties. This amino acid position is highly conserved in available vertebrate species. In addition, the in silico prediction for this alteration is inconclusive. Based on the available evidence, the clinical significance of this variant remains unclear.

NM_000245.4(MET):c.3037C>A (p.Pro1013Thr)

Gene: MET (MET proto-oncogene, receptor tyrosine kinase; plus strand). Cytogenetic location: 7q31.2.
Variant type: single nucleotide variant.
Coding change: c.3037C>A on transcript NM_000245.4 (MANE Select); coding-DNA position 3037, C replaced by A.
Protein change: p.Pro1013Thr; replaces proline 1013 with threonine.
Molecular consequence: missense variant.
Genome position (GRCh38, 1-based): chr7:116,774,889, C>A. VCF-style: chr7-116774889-C-A. GRCh37 (hg19) VCF-style: chr7-116414943-C-A.
Other names: c.3091C>A, p.Pro1031Thr (NM_001127500.3); c.1747C>A, p.Pro583Thr (NM_001324402.2); short protein forms P1031T, P1013T, P583T.
Identifiers: ClinVar variation 2453374 (VCV002453374.3), dbSNP rs1191592629, ClinGen allele CA368987767.
Genomic context (GRCh38, chr7:116,774,889, plus strand): 5'-CATTAAATGAGGTTTTACTGTTGTTCTTTAATAATTTTCCTTCATCTTACAGATCAGTTT[C>A]CTAATTCATCTCAGAACGGTTCATGCCGACAAGTGCAGTATCCTCTGACAGACATGTCCC-3'
Protein context (NP_000236.2, residues 1003-1023): YRATFPEDQF[Pro1013Thr]NSSQNGSCRQ